The following is an entry in ClinVar:

NM_005357.4(LIPE):c.529T>A (p.Ser177Thr)

Genes: LIPE (lipase E, hormone sensitive type; minus strand), LIPE-AS1 (LIPE antisense RNA 1; plus strand). Cytogenetic location: 19q13.2.
Variant type: single nucleotide variant.
Coding change: c.529T>A on transcript NM_005357.4 (MANE Select); coding-DNA position 529, T replaced by A.
Protein change: p.Ser177Thr; replaces serine 177 with threonine.
Molecular consequence: missense variant.
Genome position (GRCh38, 1-based): chr19:42,426,621, A>T on the plus strand (T>A on the coding strand, the complement: LIPE is on the minus strand). VCF-style: chr19-42426621-A-T. GRCh37 (hg19) VCF-style: chr19-42930773-A-T.
Other names: c.529T>A (NM_005357.3); short protein forms S177T.
Identifiers: ClinVar variation 1239355 (VCV001239355.6), dbSNP rs16975748, ClinGen allele CA9477323.

ClinVar aggregate classification (germline): Benign. Review status: criteria provided, multiple submitters, no conflicts (2 of 4 stars). 3 submissions from 3 submitters: Benign (2). 1 of the submissions does not count toward it. Last evaluated 2021-06-09.

Conditions:
LIPE-related disorder. Also called: LIPE-related condition.

Allele frequency attached by ClinVar (database versions not stated): gnomAD exomes 0.00984; ExAC 0.01171; gnomAD 0.03517 and 0.03769; TOPMed 0.04103; ESP Exome Variant Server 0.04190; 1000 Genomes Project 0.04353; 1000 Genomes Project 30x 0.04778.
gnomAD v4.1: 10,991 of 1,614,066 alleles (0.68%); highest among the groups gnomAD compares: African/African-American, 12%; 565 homozygotes.

Submissions (3):

GeneDx
Classification: Benign. Last evaluated: 2021-06-09. Review status: criteria provided, single submitter. Criteria: GeneDx Variant Classification Process June 2021. Collection method: clinical testing. Allele origin: germline. Affected: yes.

Breakthrough Genomics
Classification: Benign. Review status: criteria provided, single submitter. Criteria: ACMG Guidelines, 2015. Collection method: not provided. Allele origin: germline. Inheritance: Autosomal recessive inheritance. Affected: yes.

PreventionGenetics, part of Exact Sciences
Classification: Benign for LIPE-related condition. Last evaluated: 2020-03-06. Review status: no assertion criteria provided. Collection method: clinical testing. Allele origin: germline. Not counted in ClinVar's aggregate classification.
Comment: This variant is classified as benign based on ACMG/AMP sequence variant interpretation guidelines (Richards et al. 2015 PMID: 25741868, with internal and published modifications).